The following is an entry in ClinVar:

NM_000426.4(LAMA2):c.9049C>T (p.Pro3017Ser)

Gene: LAMA2 (laminin subunit alpha 2; plus strand). Cytogenetic location: 6q22.33.
Variant type: single nucleotide variant.
Coding change: c.9049C>T on transcript NM_000426.4 (MANE Select); coding-DNA position 9049, C replaced by T.
Protein change: p.Pro3017Ser; replaces proline 3017 with serine.
Molecular consequence: missense variant.
Genome position (GRCh38, 1-based): chr6:129,514,433, C>T. VCF-style: chr6-129514433-C-T. GRCh37 (hg19) VCF-style: chr6-129835578-C-T.
Other names: c.9037C>T, p.Pro3013Ser (NM_001079823.2); short protein forms P3013S, P3017S.
Identifiers: ClinVar variation 1349636 (VCV001349636.5), dbSNP rs2114939109, ClinGen allele CA365636814.

ClinVar aggregate classification (germline): Uncertain significance (1 of 4 stars; one submission).

Conditions:
LAMA2-related muscular dystrophy (LAMA2-RD). Also called: Laminin alpha 2-related dystrophy. Identifiers: MedGen C5679788, MONDO:0100228.

Allele frequency attached by ClinVar (database versions not stated): gnomAD exomes 0.00001.
gnomAD v4.1: 3 of 1,614,002 alleles (0.00019%); highest among the groups gnomAD compares: South Asian, 0.0033%; no homozygotes.

Submission:

Labcorp Genetics (formerly Invitae), Labcorp
Classification: Uncertain significance for LAMA2-related muscular dystrophy. Last evaluated: 2022-03-03. Review status: criteria provided, single submitter. Criteria: Invitae Variant Classification Sherloc (09022015). Collection method: clinical testing. Allele origin: germline.
Comment: This sequence change replaces proline, which is neutral and non-polar, with serine, which is neutral and polar, at codon 3017 of the LAMA2 protein (p.Pro3017Ser). This variant is not present in population databases (gnomAD no frequency). This variant has not been reported in the literature in individuals affected with LAMA2-related conditions. Advanced modeling of protein sequence and biophysical properties (such as structural, functional, and spatial information, amino acid conservation, physicochemical variation, residue mobility, and thermodynamic stability) performed at Invitae indicates that this missense variant is not expected to disrupt LAMA2 protein function. In summary, the available evidence is currently insufficient to determine the role of this variant in disease. Therefore, it has been classified as a Variant of Uncertain Significance.